The following is an entry in ClinVar:

ClinVar aggregate classification (germline): Benign/Likely benign. Review status: criteria provided, multiple submitters, no conflicts (2 of 4 stars). 8 submissions from 8 submitters: Benign (3); Likely benign (4). 1 of the submissions does not count toward it. Last evaluated 2026-01-29.

Conditions:
ADGRV1-related disorder. Also called: ADGRV1-related condition; ADGRV1-related disorders.
Usher syndrome type 2C. Also called: Usher syndrome, type 2B; USHER SYNDROME, TYPE IIC. Identifiers: Orphanet 231178, Orphanet 886, MedGen C2931213, MONDO:0011558, OMIM 605472.

Allele frequency attached by ClinVar (database versions not stated): gnomAD exomes 0.00060 and 0.00164; TOPMed 0.00064; gnomAD 0.00073 and 0.00075; ESP Exome Variant Server 0.00084; ExAC 0.00283.
gnomAD v4.1: 1,032 of 1,548,810 alleles (0.067%); highest among the groups gnomAD compares: Middle Eastern, 0.27%; 7 homozygotes.

Submissions (10):

Labcorp Genetics (formerly Invitae), Labcorp
Classification: Benign. Last evaluated: 2026-01-29. Review status: criteria provided, single submitter. Criteria: Invitae Variant Classification Sherloc (09022015). Collection method: clinical testing. Allele origin: germline.

CeGaT Center for Human Genetics Tuebingen
Classification: Likely benign. Last evaluated: 2025-03-01. Review status: criteria provided, single submitter. Criteria: CeGaT Center For Human Genetics Tuebingen Variant Classification Criteria Version 2. Collection method: clinical testing. Allele origin: germline. Affected: yes. Observed: 2 variant alleles.
Comment: ADGRV1: BS2

Blueprint Genetics
Classification: Likely benign. Last evaluated: 2024-11-19. Review status: criteria provided, single submitter. Criteria: ACMG Guidelines, 2015. Collection method: clinical testing. Allele origin: germline.

GeneDx
Classification: Benign. Last evaluated: 2018-07-10. Review status: criteria provided, single submitter. Criteria: GeneDx Variant Classification Process June 2021. Collection method: clinical testing. Allele origin: germline. Affected: yes.
Comment: Has not been previously published as pathogenic or benign to our knowledge; In silico analyses, including protein predictors and evolutionary conservation, support a deleterious effect

Illumina Laboratory Services, Illumina
Classification: Likely benign for Usher syndrome type 2C. Last evaluated: 2017-04-28. Review status: criteria provided, single submitter. Criteria: ICSL Variant Classification Criteria 13 December 2019. Collection method: clinical testing. Allele origin: germline.
Comment: This variant was observed as part of a predisposition screen in an ostensibly healthy population. A literature search was performed for the gene, cDNA change, and amino acid change (where applicable). No publications were found based on this search. Allele frequency data from public databases allowed determination this variant is unlikely to cause disease. Therefore, this variant is classified as likely benign.

Laboratory for Molecular Medicine, Mass General Brigham Personalized Medicine
Classification: Benign. Last evaluated: 2015-11-25. Review status: criteria provided, single submitter. Criteria: LMM Criteria. Collection method: clinical testing. Allele origin: germline. Observed: 3 variant alleles.
Comment: p.Asn6157Ser in Exon 88 of GPR98: This variant is not expected to have clinical significance because it has been identified in 0.6% (62/10000) of European chro mosomes by the Exome Aggregation Consortium (ExAC, g; dbSNP rs200111522).

Breakthrough Genomics
Classification: Likely benign. Review status: criteria provided, single submitter. Criteria: ACMG Guidelines, 2015. Collection method: not provided. Allele origin: germline. Inheritance: Autosomal recessive inheritance. Affected: yes.

PreventionGenetics, part of Exact Sciences
Classification: Benign for ADGRV1-related condition. Last evaluated: 2019-06-03. Review status: no assertion criteria provided. Collection method: clinical testing. Allele origin: germline. Not counted in ClinVar's aggregate classification.
Comment: This variant is classified as benign based on ACMG/AMP sequence variant interpretation guidelines (Richards et al. 2015 PMID: 25741868, with internal and published modifications).

Dr. Peter K. Rogan Lab, Western University
No classification provided (evidence only). Condition: Clear cell carcinoma of kidney. Review status: no classification provided. Collection method: in vitro. Allele origin: not applicable. Functional consequence: skipped exon. Not counted in ClinVar's aggregate classification.

Dr. Peter K. Rogan Lab, Western University
No classification provided (evidence only). Condition: Clear cell carcinoma of kidney. Review status: no classification provided. Collection method: in vitro. Allele origin: not applicable. Functional consequence: skipped exon. Not counted in ClinVar's aggregate classification.

NM_032119.4(ADGRV1):c.18470A>G (p.Asn6157Ser)

Gene: ADGRV1 (adhesion G protein-coupled receptor V1; plus strand). Cytogenetic location: 5q14.3.
Variant type: single nucleotide variant.
Coding change: c.18470A>G on transcript NM_032119.4 (MANE Select); coding-DNA position 18470, A replaced by G.
Protein change: p.Asn6157Ser; replaces asparagine 6157 with serine.
Molecular consequence: missense variant. On other transcripts: non-coding transcript variant (1).
Genome position (GRCh38, 1-based): chr5:91,150,067, A>G. VCF-style: chr5-91150067-A-G. GRCh37 (hg19) VCF-style: chr5-90445884-A-G.
Other names: short protein forms N6157S.
Identifiers: ClinVar variation 178374 (VCV000178374.33), dbSNP rs200111522, ClinGen allele CA182208.